The following is an entry in ClinVar:

ClinVar aggregate classification (germline): Likely pathogenic (1 of 4 stars; one submission).

Conditions:
Very long chain acyl-CoA dehydrogenase deficiency (ACADVLD). Also called: Very Long-Chain Acyl-Coenzyme A Dehydrogenase Deficiency; VLCAD Deficiency. Identifiers: Orphanet 26793, MedGen C3887523, MONDO:0008723, OMIM 201475.

Submission:

Natera, Inc.
Classification: Likely pathogenic for Very long chain acyl-CoA dehydrogenase deficiency. Last evaluated: 2025-12-02. Review status: criteria provided, single submitter. Criteria: Natera Variant Classification Schema (03/2026). Collection method: clinical testing. Allele origin: germline.
Comment: The c.1333-2A>C variant in ACADVL is a canonical splice acceptor site variant predicted to affect pre-mRNA splicing, which may result in an abnormal transcript and altered protein product. This variant is expected to result in nonsense mediated decay, truncation, or a dysfunctional protein product. This variant is rare in the general population with a frequency below the threshold expected for the associated phenotype(s). Given the available evidence, this variant is classified as Likely Pathogenic.

NM_000018.4(ACADVL):c.1333-2A>C

Gene: ACADVL (acyl-CoA dehydrogenase very long chain; plus strand). Cytogenetic location: 17p13.1.
Variant type: single nucleotide variant.
Coding change: c.1333-2A>C on transcript NM_000018.4 (MANE Select); the canonical splice acceptor site of the intron before coding-DNA position 1333, A replaced by C.
Molecular consequence: splice acceptor variant.
Genome position (GRCh38, 1-based): chr17:7,223,966, A>C. VCF-style: chr17-7223966-A-C. GRCh37 (hg19) VCF-style: chr17-7127285-A-C.
Other names: c.1402-2A>C (NM_001270447.2); c.1105-2A>C (NM_001270448.2); c.1267-2A>C (NM_001033859.3).
Identifiers: ClinVar variation 4817288 (VCV004817288.1).